The following is an entry in ClinVar:

NM_002890.3(RASA1):c.2641G>T (p.Val881Phe)

Genes: CCNH (cyclin H; minus strand), RASA1 (RAS p21 protein activator 1; plus strand). Cytogenetic location: 5q14.3.
Variant type: single nucleotide variant.
Coding change: c.2641G>T on transcript NM_002890.3 (MANE Select); coding-DNA position 2641, G replaced by T.
Protein change: p.Val881Phe; replaces valine 881 with phenylalanine.
Molecular consequence: missense variant. On other transcripts: intron variant (1).
Genome position (GRCh38, 1-based): chr5:87,380,546, G>T. VCF-style: chr5-87380546-G-T. GRCh37 (hg19) VCF-style: chr5-86676363-G-T.
Other names: c.2110G>T, p.Val704Phe (NM_022650.3); c.933+14498C>A (NM_001364075.2); short protein forms V704F, V881F.
Identifiers: ClinVar variation 4087932 (VCV004087932.1).

ClinVar aggregate classification (germline): Uncertain significance (1 of 4 stars; one submission).

Submission:

GeneDx
Classification: Uncertain significance. Last evaluated: 2025-03-26. Review status: criteria provided, single submitter. Criteria: GeneDx Variant Classification Process June 2021. Collection method: clinical testing. Allele origin: germline. Affected: yes.
Comment: Not observed at significant frequency in large population cohorts (gnomAD); In silico analysis supports that this missense variant has a deleterious effect on protein structure/function; Has not been previously published as pathogenic or benign to our knowledge